The following is an entry in ClinVar:

NM_000308.4(CTSA):c.193T>A (p.Trp65Arg)

Gene: CTSA (cathepsin A; plus strand). Cytogenetic location: 20q13.12.
Variant type: single nucleotide variant.
Coding change: c.193T>A on transcript NM_000308.4 (MANE Select); coding-DNA position 193, T replaced by A.
Protein change: p.Trp65Arg; replaces tryptophan 65 with arginine.
Molecular consequence: missense variant. On other transcripts: non-coding transcript variant (1).
Genome position (GRCh38, 1-based): chr20:45,891,761, T>A. VCF-style: chr20-45891761-T-A. GRCh37 (hg19) VCF-style: chr20-44520400-T-A.
Other names: c.193T>A, p.Trp65Arg (NM_001127695.3, NM_001167594.3); short protein forms W65R.
Identifiers: ClinVar variation 4277983 (VCV004277983.2).
Genomic context (GRCh38, chr20:45,891,761, plus strand): 5'-CCGTCTTTCCGCCAGTACTCCGGCTACCTCAAAGGCTCCGGCTCCAAGCACCTCCACTAC[T>A]GGTCTGCCGCCCTGCCTTCTGGGCGGGATTGGGAGAAGAGATGACGGATGAGGGATGGGG-3'
Protein context (NP_000299.3, residues 55-75): KGSGSKHLHY[Trp65Arg]FVESQKDPEN

ClinVar aggregate classification (germline): Uncertain significance. Review status: criteria provided, multiple submitters, no conflicts (2 of 4 stars). 2 submissions from 2 submitters: Uncertain significance (2). Last evaluated 2025-11-28.

Conditions:
Combined deficiency of sialidase AND beta galactosidase (GSL). Also called: CATHEPSIN A DEFICIENCY; GOLDBERG SYNDROME; NEURAMINIDASE DEFICIENCY WITH BETA-GALACTOSIDASE DEFICIENCY; NEURAMINIDASE/BETA-GALACTOSIDASE EXPRESSION; PPCA DEFICIENCY; PROTECTIVE PROTEIN/CATHEPSIN A DEFICIENCY. Identifiers: Orphanet 351, MedGen C0268233, MONDO:0009737, OMIM 256540.

Submissions (2):

3billion
Classification: Uncertain significance for Combined deficiency of sialidase AND beta galactosidase. Last evaluated: 2025-11-28. Review status: criteria provided, single submitter. Criteria: ACMG Guidelines, 2015. Collection method: clinical testing. Allele origin: germline. Affected: yes.
Comment: The variant is not observed in the gnomAD v4.1.0 dataset. Predicted Consequence/Location: Missense variant. The majority of the known disease-causing variants of this gene are variants expected to result in premature termination of the protein. In silico tool predictions suggest damaging effect of the variant on gene or gene product [REVEL: 0.93 (>=0.6, sensitivity 0.68 and specificity 0.92); 3Cnet: 0.93 (> 0.75, sensitivity 0.96 and precision 0.92)]. The different nucleotide change resulting in the same amino acid change has been previously reported to be associated with CTSA-related disorder(ClinVar ID: VCV000000378 /PMID: 8514852). However, the evidence of pathogenicity is insufficient at this time. Therefore, this variant is classified as VUS according to the recommendation of ACMG/AMP guideline.

Genomic Medicine Center of Excellence, King Faisal Specialist Hospital and Research Centre
Classification: Uncertain significance for Combined deficiency of sialidase AND beta galactosidase. Last evaluated: 2025-09-10. Review status: criteria provided, single submitter. Criteria: ACMG Guidelines, 2015. Collection method: clinical testing. Allele origin: germline.

Literature cited by the submitters: PubMed 8514852 (cited by 3billion).